The following is an entry in ClinVar:

NM_000037.4(ANK1):c.4448T>G (p.Leu1483Arg)

Genes: ANK1 (ankyrin 1; minus strand), LOC126860368 (BRD4-independent group 4 enhancer GRCh37_chr8:41541049-41542248; plus strand). Cytogenetic location: 8p11.21.
Variant type: single nucleotide variant.
Coding change: c.4448T>G on transcript NM_000037.4 (MANE Select); coding-DNA position 4448, T replaced by G.
Protein change: p.Leu1483Arg; replaces leucine 1483 with arginine.
Molecular consequence: missense variant.
Genome position (GRCh38, 1-based): chr8:41,684,633, A>C on the plus strand (T>G on the coding strand, the complement: ANK1 is on the minus strand). VCF-style: chr8-41684633-A-C. GRCh37 (hg19) VCF-style: chr8-41542151-A-C.
Other names: c.4571T>G, p.Leu1524Arg (NM_001142446.2); c.4448T>G, p.Leu1483Arg (NM_020475.3, NM_020476.3, NM_020477.3); c.4448T>G (NM_020476.2); short protein forms L1524R, L1483R.
Identifiers: ClinVar variation 747995 (VCV000747995.24), dbSNP rs141408004, ClinGen allele CA4727549.

ClinVar aggregate classification (germline): Conflicting classifications of pathogenicity. Review status: criteria provided, conflicting classifications (1 of 4 stars). 5 submissions from 5 submitters: Uncertain significance (1); Likely benign (4). Last evaluated 2026-09-01.

Conditions:
ANK1-related disorder. Also called: ANK1-related condition.
Hereditary spherocytosis type 1. Also called: Spherocytosis type 1; ANK1-Related Spherocytosis. Identifiers: Orphanet 822, MedGen C2674218, MONDO:0008447, OMIM 182900.

Allele frequency attached by ClinVar (database versions not stated): 1000 Genomes Project 30x 0.00016; 1000 Genomes Project 0.00020; ESP Exome Variant Server 0.00031; gnomAD 0.00041 and 0.00043; gnomAD exomes 0.00044 and 0.00048; ExAC 0.00047; TOPMed 0.00070.
gnomAD v4.1: 707 of 1,613,902 alleles (0.044%); highest among the groups gnomAD compares: Admixed American, 0.2%; 2 homozygotes.

Submissions (5):

PreventionGenetics, part of Exact Sciences
Classification: Likely benign for ANK1-related condition. Last evaluated: 2026-09-01. Review status: criteria provided, single submitter. Criteria: ACMG Guidelines, 2015. Collection method: clinical testing. Allele origin: germline.
Comment: This variant is classified as likely benign based on ACMG/AMP sequence variant interpretation guidelines (Richards et al. 2015 PMID: 25741868, with internal and published modifications).

CeGaT Center for Human Genetics Tuebingen
Classification: Likely benign. Last evaluated: 2025-11-01. Review status: criteria provided, single submitter. Criteria: CeGaT Center For Human Genetics Tuebingen Variant Classification Criteria Version 2. Collection method: clinical testing. Allele origin: germline. Affected: yes. Observed: 1 variant allele.
Comment: ANK1: BS2

Labcorp Genetics (formerly Invitae), Labcorp
Classification: Likely benign. Last evaluated: 2025-10-12. Review status: criteria provided, single submitter. Criteria: Invitae Variant Classification Sherloc (09022015). Collection method: clinical testing. Allele origin: germline.

Center for Genomic Medicine, Rigshospitalet, Copenhagen University Hospital
Classification: Uncertain significance. Last evaluated: 2025-03-04. Review status: criteria provided, single submitter. Criteria: ACMG Guidelines, 2015. Collection method: clinical testing. Allele origin: germline.

ARUP Laboratories, Molecular Genetics and Genomics, ARUP Laboratories
Classification: Likely benign for Hereditary spherocytosis type 1. Last evaluated: 2024-11-01. Review status: criteria provided, single submitter. Criteria: ARUP Molecular Germline Variant Investigation Process 2024. Collection method: clinical testing. Allele origin: germline.